The following is an entry in ClinVar:

NM_000193.4(SHH):c.995T>C (p.Val332Ala)

Gene: SHH (sonic hedgehog signaling molecule; minus strand). Cytogenetic location: 7q36.3.
Variant type: single nucleotide variant.
Coding change: c.995T>C on transcript NM_000193.4 (MANE Select); coding-DNA position 995, T replaced by C.
Protein change: p.Val332Ala; replaces valine 332 with alanine.
Molecular consequence: missense variant. On other transcripts: intron variant (1).
Genome position (GRCh38, 1-based): chr7:155,803,294, A>G on the plus strand (T>C on the coding strand, the complement: SHH is on the minus strand). VCF-style: chr7-155803294-A-G. GRCh37 (hg19) VCF-style: chr7-155595988-A-G.
Other names: c.301+3002T>C (NM_001310462.2); short protein forms V332A.
Identifiers: ClinVar variation 8894 (VCV000008894.2), dbSNP rs104894052, ClinGen allele CA119988.

ClinVar aggregate classification (germline): Likely pathogenic. Review status: criteria provided, single submitter (1 of 4 stars). 2 submissions from 2 submitters: Likely pathogenic (1). 1 of the submissions does not count toward it. Last evaluated 2025-02-27.

Conditions:
Solitary median maxillary central incisor syndrome. Also called: FUSED INCISORS; SMMCI SYNDROME; SINGLE CENTRAL MAXILLARY INCISOR; Single Central Incisor Syndrome; Solitary median maxillary central incisor. Identifiers: MedGen C1840235, MONDO:0007819, OMIM 147250, HP:0006315.

Submissions (2):

Laboratory of Molecular Genetics, CHU Rennes
Classification: Likely pathogenic for Solitary median maxillary central incisor syndrome. Last evaluated: 2025-02-27. Review status: criteria provided, single submitter. Criteria: ACMG Guidelines, 2015. Collection method: clinical testing. Allele origin: de novo. Inheritance: Autosomal dominant inheritance. Affected: yes. Clinical features observed: Holoprosencephaly microform.
Comment: The NM_000193.4:c.995T>C, is a missense variant in SHH in the Hint domain (PM1), absent from controls (PM2), predicted pathogenic by prediction tools (PP3), and occurred de novo (PS2). It was observed in two unrelated patients with holoprosencephaly microform. In summary, this variant meets criteria to be classified as likely pathogenic for holoprosencephaly based on the ACMG criteria applied.

OMIM
Classification: Pathogenic for SOLITARY MEDIAN MAXILLARY CENTRAL INCISOR. Last evaluated: 2004-05-15. Review status: no assertion criteria provided. Collection method: literature only. Allele origin: germline. Not counted in ClinVar's aggregate classification.

Literature cited by the submitters: PubMed 15103725 (cited by OMIM).